The following is an entry in ClinVar:

ClinVar aggregate classification (germline): Benign/Likely benign. Review status: criteria provided, multiple submitters, no conflicts (2 of 4 stars). 12 submissions from 12 submitters: Benign (8); Likely benign (2). 2 of the submissions do not count toward it. Last evaluated 2026-02-01.

Conditions:
Cardiovascular phenotype. Identifiers: MedGen CN230736.
Telangiectasia, hereditary hemorrhagic, type 2 (HHT2). Also called: ACVRL1-Related Hereditary Hemorrhagic Telangiectasia; Telangiectasia, hereditary hemorrhagic, type II. Identifiers: Orphanet 774, MedGen C1838163, MONDO:0010880, OMIM 600376. Disease mechanism: loss of function.

Allele frequency attached by ClinVar (database versions not stated): gnomAD exomes 0.00085 and 0.00232; ExAC 0.00294; gnomAD 0.00902 and 0.00959; ESP Exome Variant Server 0.00953; TOPMed 0.00994; 1000 Genomes Project 0.00998; 1000 Genomes Project 30x 0.01265.
gnomAD v4.1: 2,690 of 1,613,782 alleles (0.17%); highest among the groups gnomAD compares: African/African-American, 3.2%; 42 homozygotes.

Submissions (12):

Labcorp Genetics (formerly Invitae), Labcorp
Classification: Benign for Telangiectasia, hereditary hemorrhagic, type 2. Last evaluated: 2026-02-01. Review status: criteria provided, single submitter. Criteria: Invitae Variant Classification Sherloc (09022015). Collection method: clinical testing. Allele origin: germline.

ARUP Laboratories, Molecular Genetics and Genomics, ARUP Laboratories
Classification: Benign for Telangiectasia, hereditary hemorrhagic, type 2. Last evaluated: 2024-08-05. Review status: criteria provided, single submitter. Criteria: ARUP Molecular Germline Variant Investigation Process 2024. Collection method: clinical testing. Allele origin: germline.

Mayo Clinic Laboratories, Mayo Clinic
Classification: Benign. Last evaluated: 2023-08-15. Review status: criteria provided, single submitter. Criteria: ACMG Guidelines, 2015. Collection method: clinical testing. Allele origin: germline. Observed: 9 variant alleles.
Comment: BS1, BS2, BP4, BP7

Genome-Nilou Lab
Classification: Benign for Telangiectasia, hereditary hemorrhagic, type 2. Last evaluated: 2021-12-05. Review status: criteria provided, single submitter. Criteria: ACMG Guidelines, 2015. Collection method: clinical testing. Allele origin: germline. Affected: no.

Illumina Laboratory Services, Illumina
Classification: Likely benign for Telangiectasia, hereditary hemorrhagic, type 2. Last evaluated: 2017-04-27. Review status: criteria provided, single submitter. Criteria: ICSL Variant Classification Criteria 13 December 2019. Collection method: clinical testing. Allele origin: germline.
Comment: This variant was observed as part of a predisposition screen in an ostensibly healthy population. A literature search was performed for the gene, cDNA change, and amino acid change (where applicable). No publications were found based on this search. Allele frequency data from public databases allowed determination this variant is unlikely to cause disease. Therefore, this variant is classified as likely benign.

GeneDx
Classification: Benign. Last evaluated: 2017-02-08. Review status: criteria provided, single submitter. Criteria: GeneDx Variant Classification (06012015). Collection method: clinical testing. Allele origin: germline. Affected: yes.
Comment: This variant is considered likely benign or benign based on one or more of the following criteria: it is a conservative change, it occurs at a poorly conserved position in the protein, it is predicted to be benign by multiple in silico algorithms, and/or has population frequency not consistent with disease.

Ambry Genetics
Classification: Benign for Cardiovascular phenotype. Last evaluated: 2015-09-02. Review status: criteria provided, single submitter. Criteria: Ambry Variant Classification Scheme 2023. Collection method: clinical testing. Allele origin: germline.

Laboratory for Molecular Medicine, Mass General Brigham Personalized Medicine
Classification: Benign. Last evaluated: 2013-02-21. Review status: criteria provided, single submitter. Criteria: LMM Criteria. Collection method: clinical testing. Allele origin: germline. Observed: 1 variant allele.
Comment: Ala377Ala in exon 8 of ACVRL1: This variant is not expected to have clinical sig nificance because it does not alter an amino acid residue and is not located wit hin the splice consensus sequence. It has been identified in 2.8% (123/4406) of African American chromosomes from a broad population by the NHLBI Exome Sequenci ng Project (dbSNP rs61734313).

Breakthrough Genomics
Classification: Likely benign. Review status: criteria provided, single submitter. Criteria: ACMG Guidelines, 2015. Collection method: not provided. Allele origin: germline. Inheritance: Autosomal dominant inheritance. Affected: yes.

PreventionGenetics, part of Exact Sciences
Classification: Benign. Review status: criteria provided, single submitter. Criteria: ACMG Guidelines, 2015. Collection method: clinical testing. Allele origin: germline.

Clinical Genetics, Academic Medical Center
Classification: Likely benign. Review status: no assertion criteria provided. Collection method: clinical testing. Allele origin: germline. Affected: yes. Study: VKGL Data-share Consensus. Not counted in ClinVar's aggregate classification.

Genome Diagnostics Laboratory, University Medical Center Utrecht
Classification: Likely benign. Review status: no assertion criteria provided. Collection method: clinical testing. Allele origin: germline. Affected: yes. Study: VKGL Data-share Consensus. Not counted in ClinVar's aggregate classification.

NM_000020.3(ACVRL1):c.1131A>G (p.Ala377=)

Gene: ACVRL1 (activin A receptor like type 1; plus strand). Cytogenetic location: 12q13.13.
Variant type: single nucleotide variant.
Coding change: c.1131A>G on transcript NM_000020.3 (MANE Select); coding-DNA position 1131, A replaced by G.
Protein change: p.Ala377=; no amino-acid change (alanine 377 retained).
Molecular consequence: synonymous variant.
Genome position (GRCh38, 1-based): chr12:51,916,118, A>G. VCF-style: chr12-51916118-A-G. GRCh37 (hg19) VCF-style: chr12-52309902-A-G.
Other names: p.Ala377=; c.1131A>G, p.Ala377= (NM_001077401.2).
Identifiers: ClinVar variation 254706 (VCV000254706.32), dbSNP rs61734313, ClinGen allele CA6573072.
Genomic context (GRCh38, chr12:51,916,118, plus strand): 5'-GGGCAGCGATTACCTGGACATCGGCAACAACCCGAGAGTGGGCACCAAGCGGTACATGGC[A>G]CCCGAGGTGCTGGACGAGCAGATCCGCACGGACTGCTTTGAGTCCTACAAGTGGACTGAC-3'
Protein context (NP_000011.2, residues 367-387): NPRVGTKRYM[Ala377=]PEVLDEQIRT